The following is an entry in ClinVar:

NM_001099922.3(ALG13):c.683G>A (p.Ser228Asn)

Gene: ALG13 (ALG13 UDP-N-acetylglucosaminyltransferase subunit; plus strand). Cytogenetic location: Xq23.
Variant type: single nucleotide variant.
Coding change: c.683G>A on transcript NM_001099922.3 (MANE Select); coding-DNA position 683, G replaced by A.
Protein change: p.Ser228Asn; replaces serine 228 with asparagine.
Molecular consequence: missense variant. On other transcripts: non-coding transcript variant (1).
Genome position (GRCh38, 1-based): chrX:111,708,326, G>A. VCF-style: chrX-111708326-G-A. GRCh37 (hg19) VCF-style: chrX-110951554-G-A.
Other names: c.371G>A, p.Ser124Asn (NM_001257230.2, NM_001257234.2, NM_001257237.2 and 1 more transcripts); c.449G>A, p.Ser150Asn (NM_001257231.2); c.683G>A, p.Ser228Asn (NM_001324292.2); short protein forms S124N, S150N, S228N.
Identifiers: ClinVar variation 3389856 (VCV003389856.14).

ClinVar aggregate classification (germline): Likely benign (1 of 4 stars; one submission).

gnomAD v4.1: 2 of 1,211,754 alleles (0.00017%); highest among the groups gnomAD compares: Non-Finnish European, 0.00022%; no homozygotes.

Submission:

CeGaT Center for Human Genetics Tuebingen
Classification: Likely benign. Last evaluated: 2024-10-01. Review status: criteria provided, single submitter. Criteria: CeGaT Center For Human Genetics Tuebingen Variant Classification Criteria Version 2. Collection method: clinical testing. Allele origin: germline. Affected: yes. Observed: 1 variant allele.
Comment: ALG13: BP4